The following is an entry in ClinVar:

ClinVar aggregate classification (germline): Conflicting classifications of pathogenicity. Review status: criteria provided, conflicting classifications (1 of 4 stars). 4 submissions from 4 submitters: Uncertain significance (3); Likely benign (1). Last evaluated 2025-07-03.

Conditions:
Hereditary cancer-predisposing syndrome. Also called: Tumor predisposition; Neoplastic Syndromes, Hereditary; Hereditary Cancer Syndrome; Hereditary neoplastic syndrome. Identifiers: Orphanet 140162, MedGen C0027672, MeSH D009386, MONDO:0015356.
Hereditary breast ovarian cancer syndrome. Also called: Hereditary breast and ovarian cancer syndrome; Hereditary breast and ovarian cancer; Hereditary breast and ovarian cancer syndrome (HBOC); Hereditary breast and/or ovarian cancer syndrome; Breast and ovarian cancer; BRCA1- and BRCA2-Associated Hereditary Breast and Ovarian Cancer. Identifiers: Orphanet 145, MedGen C0677776, MeSH D061325, MONDO:0003582. Disease mechanism: loss of function.

Allele frequency attached by ClinVar (database versions not stated): gnomAD exomes below 0.00001; TOPMed below 0.00001; gnomAD 0.00001.
gnomAD v4.1: 3 of 1,613,968 alleles (0.00019%); highest among the groups gnomAD compares: Non-Finnish European, 0.00025%; no homozygotes.

Submissions (4):

Color Diagnostics, LLC DBA Color Health
Classification: Uncertain significance for Hereditary cancer-predisposing syndrome. Last evaluated: 2025-07-03. Review status: criteria provided, single submitter. Criteria: ACMG Guidelines, 2015. Collection method: clinical testing. Allele origin: germline.
Comment: This missense variant replaces serine with asparagine at codon 1191 of the BRCA1 protein. Computational prediction suggests that this variant may not impact protein structure and function. To our knowledge, functional studies have not been reported for this variant. This variant has been reported in an individual affected with breast cancer and detected in a breast cancer case-control meta-analysis in 1/60466 cases and 0/53461 unaffected individuals (PMID: 33471991, 38785139Leiden Open Variation Database DB-ID BRCA1_006317). A multifactorial analysis has reported a likelihood ratio for pathogenicity based on personal and family history of 0.472 from log(LR)=-0.32642 for one carrier (PMID: 31853058). This variant has not been identified in the general population by the Genome Aggregation Database (gnomAD). The available evidence is insufficient to determine the role of this variant in disease conclusively. Therefore, this variant is classified as a Variant of Uncertain Significance.

Ambry Genetics
Classification: Uncertain significance for Hereditary cancer-predisposing syndrome. Last evaluated: 2024-09-02. Review status: criteria provided, single submitter. Criteria: Ambry Variant Classification Scheme 2023. Collection method: clinical testing. Allele origin: germline.
Comment: The p.S1191N variant (also known as c.3572G>A), located in coding exon 9 of the BRCA1 gene, results from a G to A substitution at nucleotide position 3572. The serine at codon 1191 is replaced by asparagine, an amino acid with highly similar properties. This variant was identified in a cohort of 33 unrelated families from Libya with a history suggestive of hereditary breast cancer (Elmaihub ES et al. Libyan J Med, 2024 Dec;19:2356906). This amino acid position is well conserved in available vertebrate species. In addition, the in silico prediction for this alteration is inconclusive. Based on the available evidence, the clinical significance of this variant remains unclear.

Labcorp Genetics (formerly Invitae), Labcorp
Classification: Uncertain significance for Hereditary breast ovarian cancer syndrome. Last evaluated: 2024-05-12. Review status: criteria provided, single submitter. Criteria: Invitae Variant Classification Sherloc (09022015). Collection method: clinical testing. Allele origin: germline.
Comment: This sequence change replaces serine, which is neutral and polar, with asparagine, which is neutral and polar, at codon 1191 of the BRCA1 protein (p.Ser1191Asn). This variant is not present in population databases (gnomAD no frequency). This variant has not been reported in the literature in individuals affected with BRCA1-related conditions. ClinVar contains an entry for this variant (Variation ID: 240794). Advanced modeling of protein sequence and biophysical properties (such as structural, functional, and spatial information, amino acid conservation, physicochemical variation, residue mobility, and thermodynamic stability) performed at Invitae indicates that this missense variant is not expected to disrupt BRCA1 protein function with a negative predictive value of 95%. In summary, the available evidence is currently insufficient to determine the role of this variant in disease. Therefore, it has been classified as a Variant of Uncertain Significance.

University of Washington Department of Laboratory Medicine, University of Washington
Classification: Likely benign for Hereditary cancer-predisposing syndrome. Last evaluated: 2023-03-23. Review status: criteria provided, single submitter. Criteria: Dines et al. (Genet Med. 2020). Collection method: curation. Allele origin: germline.
Comment: Missense variant in a coldspot region where missense variants are very unlikely to be pathogenic (PMID:31911673).

BRCA1 coldspot (exon 11 using historical exon numbering). Reclassification based on statistical prior probability

Literature cited by the submitters: PubMed 31853058 (cited by Color Diagnostics, LLC DBA Color Health); PubMed 33471991 (cited by Color Diagnostics, LLC DBA Color Health); PubMed 38785139 (cited by Color Diagnostics, LLC DBA Color Health and Ambry Genetics).

NM_007294.4(BRCA1):c.3572G>A (p.Ser1191Asn)

Genes: BRCA1 (BRCA1 DNA repair associated; minus strand), LOC126862571 (BRD4-independent group 4 enhancer GRCh37_chr17:41243136-41244335; plus strand). Cytogenetic location: 17q21.31.
Variant type: single nucleotide variant.
Coding change: c.3572G>A on transcript NM_007294.4 (MANE Select); coding-DNA position 3572, G replaced by A.
Protein change: p.Ser1191Asn; replaces serine 1191 with asparagine.
Molecular consequence: missense variant. On other transcripts: intron variant (135).
Genome position (GRCh38, 1-based): chr17:43,091,959, C>T on the plus strand (G>A on the coding strand, the complement: BRCA1 is on the minus strand). VCF-style: chr17-43091959-C-T. GRCh37 (hg19) VCF-style: chr17-41243976-C-T.
Other names: c.3305G>A, p.Ser1102Asn (NM_001407931.1, NM_001407932.1, NM_001407934.1 and 2 more transcripts); c.785-927G>A (NM_001407972.1, NM_001408397.1, NM_001408401.1 and 13 more transcripts); c.665-927G>A (NM_001408441.1, NM_001408437.1, NM_001408429.1 and 12 more transcripts); c.788-927G>A (NM_001407979.1, NM_001407977.1, NM_001407980.1 and 17 more transcripts); c.647-927G>A (NM_001408410.1, NM_001408458.1, NM_001408469.1 and 11 more transcripts); c.710-927G>A (NM_001408415.1, NM_001408412.1, NM_001408409.1 and 2 more transcripts); c.3569G>A, p.Ser1190Asn (NM_001407636.1, NM_001407637.1, NM_001407638.1 and 22 more transcripts); c.3572G>A, p.Ser1191Asn (NM_001407639.1, NM_001407581.1, NM_001407582.1 and 30 more transcripts); and 41 more; short protein forms S1191N, S1144N, S1079N, S1120N, S1150N, S1164N, S1165N, S1190N.
Identifiers: ClinVar variation 240794 (VCV000240794.21), dbSNP rs878854948, ClinGen allele CA10583566.